The following is an entry in ClinVar:

ClinVar aggregate classification (germline): Uncertain significance (1 of 4 stars; one submission).

Conditions:
Neuroblastoma, susceptibility to, 3. Also called: ALK-Related Neuroblastic Tumor Susceptibility. Identifiers: Orphanet 635, MedGen C2751681, MONDO:0013083, OMIM 613014.

Submission:

Labcorp Genetics (formerly Invitae), Labcorp
Classification: Uncertain significance for Neuroblastoma, susceptibility to, 3. Last evaluated: 2022-06-28. Review status: criteria provided, single submitter. Criteria: Invitae Variant Classification Sherloc (09022015). Collection method: clinical testing. Allele origin: germline.
Comment: This variant has not been reported in the literature in individuals affected with ALK-related conditions. This variant is not present in population databases (gnomAD no frequency). In summary, the available evidence is currently insufficient to determine the role of this variant in disease. Therefore, it has been classified as a Variant of Uncertain Significance. Algorithms developed to predict the effect of sequence changes on RNA splicing suggest that this variant may disrupt the consensus splice site. This sequence change affects a donor splice site in intron 1 of the ALK gene. It is expected to disrupt RNA splicing. Variants that disrupt the donor or acceptor splice site typically lead to a loss of protein function (PMID: 16199547), however the current clinical and genetic evidence is not sufficient to establish whether loss-of-function variants in ALK cause disease.

Literature cited by the submitters: PubMed 16199547.

NM_004304.5(ALK):c.667+1G>A

Gene: ALK (ALK receptor tyrosine kinase; minus strand). Cytogenetic location: 2p23.1.
Variant type: single nucleotide variant.
Coding change: c.667+1G>A on transcript NM_004304.5 (MANE Select); the canonical splice donor site of the intron after coding-DNA position 667, G replaced by A.
Molecular consequence: splice donor variant.
Genome position (GRCh38, 1-based): chr2:29,919,992, C>T on the plus strand (G>A on the coding strand, the complement: ALK is on the minus strand). VCF-style: chr2-29919992-C-T. GRCh37 (hg19) VCF-style: chr2-30142858-C-T.
Identifiers: ClinVar variation 2011831 (VCV002011831.4), dbSNP rs2148442783, ClinGen allele CA346589575.